The following is an entry in ClinVar:

NM_000053.4(ATP7B):c.2567T>G (p.Leu856Arg)

Gene: ATP7B (ATPase copper transporting beta; minus strand). Cytogenetic location: 13q14.3.
Variant type: single nucleotide variant.
Coding change: c.2567T>G on transcript NM_000053.4 (MANE Select); coding-DNA position 2567, T replaced by G.
Protein change: p.Leu856Arg; replaces leucine 856 with arginine.
Molecular consequence: missense variant. On other transcripts: intron variant (1).
Genome position (GRCh38, 1-based): chr13:51,950,280, A>C on the plus strand (T>G on the coding strand, the complement: ATP7B is on the minus strand). VCF-style: chr13-51950280-A-C. GRCh37 (hg19) VCF-style: chr13-52524416-A-C.
Other names: c.2081T>G, p.Leu694Arg (NM_001005918.3, NM_001406541.1, NM_001406542.1 and 1 more transcripts); c.2234T>G, p.Leu745Arg (NM_001243182.2); c.2333T>G, p.Leu778Arg (NM_001330578.2, NM_001406534.1, NM_001406538.1 and 2 more transcripts); c.2315T>G, p.Leu772Arg (NM_001330579.2, NM_001406531.1, NM_001406532.1 and 1 more transcripts); c.2567T>G, p.Leu856Arg (NM_001406511.1, NM_001406512.1, NM_001406513.1 and 7 more transcripts); c.2534T>G, p.Leu845Arg (NM_001406514.1); c.2471T>G, p.Leu824Arg (NM_001406517.1, NM_001406518.1); c.2327T>G, p.Leu776Arg (NM_001406530.1); and 8 more; short protein forms L640R, L662R, L694R, L713R, L740R, L745R, L746R, L772R.
Identifiers: ClinVar variation 3071779 (VCV003071779.3), dbSNP rs1310198925, ClinGen allele CA388015719.

ClinVar aggregate classification (germline): Uncertain significance. Review status: criteria provided, multiple submitters, no conflicts (2 of 4 stars). 2 submissions from 2 submitters: Uncertain significance (2). Last evaluated 2023-12-12.

Conditions:
Wilson disease (WND). Also called: Wilson's disease. Identifiers: Orphanet 905, MedGen C0019202, MONDO:0010200, OMIM 277900. Disease mechanism: loss of function.

Submissions (2):

ARUP Laboratories, Molecular Genetics and Genomics, ARUP Laboratories
Classification: Uncertain significance for Wilson disease. Last evaluated: 2023-12-12. Review status: criteria provided, single submitter. Criteria: ARUP Molecular Germline Variant Investigation Process 2024. Collection method: clinical testing. Allele origin: germline.
Comment: The ATP7B c.2567T>G; p.Leu856Arg variant (rs1310198925) is reported in the literature in individuals affected with Wilson disease (Seo 2006, Shim 2018). This variant is absent from the Genome Aggregation Database (v2.1.1), indicating it is not a common polymorphism. Computational analyses predict that this variant is deleterious (REVEL: 0.956). Due to limited information, the clinical significance of this variant is uncertain at this time. References: Seo JK. [Wilson disease: an update]. Korean J Hepatol. 2006 Sep;12(3):333-63. Korean. PMID: 16998287. Shim JO et al. Multiplex Ligation-dependent Probe Amplification Analysis Subsequent to Direct DNA Full Sequencing for Identifying ATP7B Mutations and Phenotype Correlations in Children with Wilson Disease. J Korean Med Sci. 2018 May 16;33(26):e177. PMID: 29930488.

All of Us Research Program, National Institutes of Health
Classification: Uncertain significance for Wilson disease. Last evaluated: 2023-06-26. Review status: criteria provided, single submitter. Criteria: ACMG Guidelines, 2015. Collection method: clinical testing. Allele origin: germline. Inheritance: Autosomal recessive inheritance. Observed: 1 variant allele, 1 heterozygote.
Comment: This missense variant replaces leucine with arginine at codon 856 of the ATP7B protein. Computational prediction suggests that this variant may have deleterious impact on protein structure and function (internally defined REVEL score threshold >= 0.7, PMID: 27666373). To our knowledge, functional studies have not been reported for this variant. This variant has been reported in one individual affected with Wilson disease (PMID: 29930488). This variant has not been identified in the general population by the Genome Aggregation Database (gnomAD). The available evidence is insufficient to determine the role of this variant in disease conclusively. Therefore, this variant is classified as a Variant of Uncertain Significance.

This study involves interpretation of variants in research participants for the purpose of population health screening. Participant phenotype was not available at the time of variant classification. Additional details can be found in publication PMID: 35346344, PMCID: PMC8962531

Literature cited by the submitters: PubMed 29930488 (cited by All of Us Research Program, National Institutes of Health).